The following is an entry in ClinVar:

ClinVar aggregate classification (germline): Uncertain significance (1 of 4 stars; one submission).

Allele frequency attached by ClinVar (database versions not stated): gnomAD 0.00001.

Submission:

GeneDx
Classification: Uncertain significance. Last evaluated: 2020-04-30. Review status: criteria provided, single submitter. Criteria: GeneDx Variant Classification Process June 2021. Collection method: clinical testing. Allele origin: germline. Affected: yes.
Comment: Not observed at a significant frequency in large population cohorts (Lek et al., 2016); In silico analysis supports that this missense variant does not alter protein structure/function; Has not been previously published as pathogenic or benign to our knowledge

NM_005413.4(SIX3):c.869C>A (p.Thr290Lys)

Gene: SIX3 (SIX homeobox 3; plus strand). Cytogenetic location: 2p21.
Variant type: single nucleotide variant.
Coding change: c.869C>A on transcript NM_005413.4 (MANE Select); coding-DNA position 869, C replaced by A.
Protein change: p.Thr290Lys; replaces threonine 290 with lysine.
Molecular consequence: missense variant.
Genome position (GRCh38, 1-based): chr2:44,944,630, C>A. VCF-style: chr2-44944630-C-A. GRCh37 (hg19) VCF-style: chr2-45171769-C-A.
Other names: short protein forms T290K.
Identifiers: ClinVar variation 1318325 (VCV001318325.2), dbSNP rs1460399712, ClinGen allele CA346800553.